The following is an entry in ClinVar:

ClinVar aggregate classification (germline): Uncertain significance (1 of 4 stars; one submission).

Conditions:
Hereditary cancer-predisposing syndrome. Also called: Hereditary Cancer Syndrome; Hereditary neoplastic syndrome; Tumor predisposition; Neoplastic Syndromes, Hereditary. Identifiers: Orphanet 140162, MedGen C0027672, MeSH D009386, MONDO:0015356.

gnomAD v4.1: 3 of 1,614,170 alleles (0.00019%); highest among the groups gnomAD compares: Non-Finnish European, 0.00025%; no homozygotes.

Submission:

Ambry Genetics
Classification: Uncertain significance for Hereditary cancer-predisposing syndrome. Last evaluated: 2024-11-16. Review status: criteria provided, single submitter. Criteria: Ambry Variant Classification Scheme 2023. Collection method: clinical testing. Allele origin: germline.
Comment: The p.G136A variant (also known as c.407G>C), located in coding exon 1 of the GREM1 gene, results from a G to C substitution at nucleotide position 407. The glycine at codon 136 is replaced by alanine, an amino acid with similar properties. This amino acid position is conserved. In addition, this alteration is predicted to be tolerated by in silico analysis. Based on the available evidence, the clinical significance of this variant remains unclear.

NM_013372.7(GREM1):c.407G>C (p.Gly136Ala)

Gene: GREM1 (gremlin 1, DAN family BMP antagonist; plus strand). Cytogenetic location: 15q13.3.
Variant type: single nucleotide variant.
Coding change: c.407G>C on transcript NM_013372.7 (MANE Select); coding-DNA position 407, G replaced by C.
Protein change: p.Gly136Ala; replaces glycine 136 with alanine.
Molecular consequence: missense variant.
Genome position (GRCh38, 1-based): chr15:32,731,097, G>C. VCF-style: chr15-32731097-G-C. GRCh37 (hg19) VCF-style: chr15-33023298-G-C.
Other names: c.197G>C, p.Gly66Ala (NM_001191322.2); c.284G>C, p.Gly95Ala (NM_001191323.2); c.407G>C, p.Gly136Ala (NM_001368719.1); short protein forms G66A, G136A, G95A.
Identifiers: ClinVar variation 3522523 (VCV003522523.1).